The following is an entry in ClinVar:

NM_003482.4(KMT2D):c.6180C>A (p.Tyr2060Ter)

Gene: KMT2D (lysine methyltransferase 2D; minus strand). Cytogenetic location: 12q13.12.
Variant type: single nucleotide variant.
Coding change: c.6180C>A on transcript NM_003482.4 (MANE Select); coding-DNA position 6180, C replaced by A.
Protein change: p.Tyr2060Ter; replaces tyrosine 2060 with a stop codon.
Molecular consequence: nonsense.
Genome position (GRCh38, 1-based): chr12:49,041,920, G>T on the plus strand (C>A on the coding strand, the complement: KMT2D is on the minus strand). VCF-style: chr12-49041920-G-T. GRCh37 (hg19) VCF-style: chr12-49435703-G-T.
Other names: short protein forms Y2060*.
Identifiers: ClinVar variation 1452008 (VCV001452008.6), dbSNP rs186577948, ClinGen allele CA384625995.
Genomic context (GRCh38, chr12:49,041,920, plus strand): 5'-AAAGATCCCTCCCTCCCTCTCAGTTCCCACGCTAATCCATGCTCCTTTCTGCCTCACCAG[G>T]TAGGGGGCTTTGTCAGCTGCTGGAACCTTTCTCCAGAGCTTCATGATTTGTTTGCAACGG-3'

ClinVar aggregate classification (germline): Pathogenic (1 of 4 stars; one submission).

Conditions:
Kabuki syndrome. Also called: Kabuki make-up syndrome; NIIKAWA-KUROKI SYNDROME. Identifiers: Orphanet 2322, MedGen C0796004, MONDO:0016512.

Submission:

Labcorp Genetics (formerly Invitae), Labcorp
Classification: Pathogenic for Kabuki syndrome. Last evaluated: 2022-06-13. Review status: criteria provided, single submitter. Criteria: Invitae Variant Classification Sherloc (09022015). Collection method: clinical testing. Allele origin: germline.
Comment: This sequence change creates a premature translational stop signal (p.Tyr2060*) in the KMT2D gene. It is expected to result in an absent or disrupted protein product. Loss-of-function variants in KMT2D are known to be pathogenic (PMID: 22126750). This variant is not present in population databases (gnomAD no frequency). This variant has not been reported in the literature in individuals affected with KMT2D-related conditions. For these reasons, this variant has been classified as Pathogenic.

Literature cited by the submitters: PubMed 22126750.